The following is an entry in ClinVar:

ClinVar aggregate classification (germline): Benign (1 of 4 stars; one submission).

Allele frequency attached by ClinVar (database versions not stated): 1000 Genomes Project 0.37320; 1000 Genomes Project 30x 0.38476; gnomAD 0.38625 and 0.39710; TOPMed 0.40417.
gnomAD v4.1: 58,722 of 152,096 alleles (39%); highest among the groups gnomAD compares: African/African-American, 69%; 14,198 homozygotes.

Submission:

GeneDx
Classification: Benign. Last evaluated: 2018-06-14. Review status: criteria provided, single submitter. Criteria: GeneDx Variant Classification (06012015). Collection method: clinical testing. Allele origin: germline. Affected: yes.
Comment: This variant is considered likely benign or benign based on one or more of the following criteria: it is a conservative change, it occurs at a poorly conserved position in the protein, it is predicted to be benign by multiple in silico algorithms, and/or has population frequency not consistent with disease.

NM_203447.4(DOCK8):c.2205+233G>T

Gene: DOCK8 (dedicator of cytokinesis 8; plus strand). Cytogenetic location: 9p24.3.
Variant type: single nucleotide variant.
Coding change: c.2205+233G>T on transcript NM_203447.4 (MANE Select); 233 bases into the intron after coding-DNA position 2205, G replaced by T.
Molecular consequence: intron variant.
Genome position (GRCh38, 1-based): chr9:376,538, G>T. VCF-style: chr9-376538-G-T. GRCh37 (hg19) VCF-style: chr9-376538-G-T.
Other names: c.2001+233G>T (NM_001193536.2, NM_001190458.2).
Identifiers: ClinVar variation 676821 (VCV000676821.1), dbSNP rs10973014, ClinGen allele CA13041914.